The following is an entry in ClinVar:

NM_205836.3(FBXO38):c.1756C>T (p.Arg586Cys)

Gene: FBXO38 (F-box protein 38; plus strand). Cytogenetic location: 5q32.
Variant type: single nucleotide variant.
Coding change: c.1756C>T on transcript NM_205836.3 (MANE Select); coding-DNA position 1756, C replaced by T.
Protein change: p.Arg586Cys; replaces arginine 586 with cysteine.
Molecular consequence: missense variant.
Genome position (GRCh38, 1-based): chr5:148,425,539, C>T. VCF-style: chr5-148425539-C-T. GRCh37 (hg19) VCF-style: chr5-147805102-C-T.
Other names: c.1756C>T, p.Arg586Cys (NM_001271723.2, NM_030793.5); short protein forms R586C.
Identifiers: ClinVar variation 999058 (VCV000999058.11), dbSNP rs144744644, ClinGen allele CA3497377.

ClinVar aggregate classification (germline): Uncertain significance. Review status: criteria provided, multiple submitters, no conflicts (2 of 4 stars). 2 submissions from 2 submitters: Uncertain significance (2). Last evaluated 2025-10-29.

Conditions:
Distal hereditary motor neuropathy type 2. Identifiers: Orphanet 139525, MedGen C3711384, MeSH C580044, MONDO:0015352.

Allele frequency attached by ClinVar (database versions not stated): ESP Exome Variant Server 0.00008; ExAC 0.00001; gnomAD exomes 0.00001 and 0.00006; TOPMed 0.00003; gnomAD 0.00005 and 0.00006.
gnomAD v4.1: 97 of 1,612,858 alleles (0.006%); highest among the groups gnomAD compares: African/African-American, 0.011%; no homozygotes.

Submissions (2):

Women's Health and Genetics/Laboratory Corporation of America, LabCorp
Classification: Uncertain significance. Last evaluated: 2025-10-29. Review status: criteria provided, single submitter. Criteria: LabCorp Variant Classification Summary - May 2015. Collection method: clinical testing. Allele origin: germline.
Comment: Variant summary: FBXO38 c.1756C>T (p.Arg586Cys) results in a non-conservative amino acid change in the encoded protein sequence. Algorithms developed to predict the effect of missense changes on protein structure and function are either unavailable or do not agree on the potential impact of this missense change. The variant allele was found at a frequency of 8e-06 in 250854 control chromosomes. The available data on variant occurrences in the general population are insufficient to allow any conclusion about variant significance. To our knowledge, no occurrence of c.1756C>T in individuals affected with FBXO38-related conditions and no experimental evidence demonstrating its impact on protein function have been reported. ClinVar contains an entry for this variant (Variation ID: 999058). Based on the evidence outlined above, the variant was classified as uncertain significance.

Labcorp Genetics (formerly Invitae), Labcorp
Classification: Uncertain significance for Distal hereditary motor neuropathy type 2. Last evaluated: 2025-07-14. Review status: criteria provided, single submitter. Criteria: Invitae Variant Classification Sherloc (09022015). Collection method: clinical testing. Allele origin: germline.
Comment: This sequence change replaces arginine, which is basic and polar, with cysteine, which is neutral and slightly polar, at codon 586 of the FBXO38 protein (p.Arg586Cys). This variant is present in population databases (rs144744644, gnomAD 0.0009%). This variant has not been reported in the literature in individuals affected with FBXO38-related conditions. ClinVar contains an entry for this variant (Variation ID: 999058). Invitae Evidence Modeling of protein sequence and biophysical properties (such as structural, functional, and spatial information, amino acid conservation, physicochemical variation, residue mobility, and thermodynamic stability) indicates that this missense variant is not expected to disrupt FBXO38 protein function with a negative predictive value of 80%. In summary, the available evidence is currently insufficient to determine the role of this variant in disease. Therefore, it has been classified as a Variant of Uncertain Significance.